The following is an entry in ClinVar:

NM_001130021.3(ATP6V0A1):c.911A>G (p.Tyr304Cys)

Gene: ATP6V0A1 (ATPase H+ transporting V0 subunit a1; plus strand). Cytogenetic location: 17q21.2.
Variant type: single nucleotide variant.
Coding change: c.911A>G on transcript NM_001130021.3 (MANE Select); coding-DNA position 911, A replaced by G.
Protein change: p.Tyr304Cys; replaces tyrosine 304 with cysteine.
Molecular consequence: missense variant. On other transcripts: intron variant (2).
Genome position (GRCh38, 1-based): chr17:42,487,255, A>G. VCF-style: chr17-42487255-A-G. GRCh37 (hg19) VCF-style: chr17-40639273-A-G.
Other names: c.932A>G, p.Tyr311Cys (NM_001130020.3, NM_001378522.1, NM_001378523.1 and 3 more transcripts); c.1034A>G, p.Tyr345Cys (NM_001378530.1, NM_001378533.1, NM_001378551.1 and 1 more transcripts); c.1055A>G, p.Tyr352Cys (NM_001378531.1, NM_001378532.1); c.911A>G, p.Tyr304Cys (NM_001378535.1, NM_001378537.1, NM_001378557.1 and 4 more transcripts); c.803A>G, p.Tyr268Cys (NM_001378536.1, NM_001378556.1, NM_001378550.1); c.782A>G, p.Tyr261Cys (NM_001378538.1, NM_001378540.1); c.811-3232A>G (NM_001378546.1, NM_001378547.1); c.932A>G (NM_001130020.1); and 3 more; short protein forms Y234C, Y244C, Y251C, Y261C, Y268C, Y304C, Y311C, Y345C.
Identifiers: ClinVar variation 4278289 (VCV004278289.2).
Genomic context (GRCh38, chr17:42,487,255, plus strand): 5'-AGGCAGCTGCTAAGAACATCCGTGTCTGGTTCATCAAAGTGCGGAAGATGAAGGCCATCT[A>G]TCACACCCTGAACCTGTGCAACATAGATGTGACTCAGAAATGCTTGATTGCAGAGGTCTG-3'
Protein context (NP_001123493.1, residues 294-314): FIKVRKMKAI[Tyr304Cys]HTLNLCNIDV

ClinVar aggregate classification (germline): Uncertain significance. Review status: criteria provided, multiple submitters, no conflicts (2 of 4 stars). 2 submissions from 2 submitters: Uncertain significance (2). Last evaluated 2025-09-10.

Conditions:
ATP6V0A1-related condition.
Developmental and epileptic encephalopathy 104 (DEE104). Identifiers: MedGen C5774183, MONDO:0031021, OMIM 619970.

gnomAD v4.1: 5 of 1,614,170 alleles (0.00031%); highest among the groups gnomAD compares: East Asian, 0.0067%; no homozygotes.

Submissions (2):

Genomic Medicine Center of Excellence, King Faisal Specialist Hospital and Research Centre
Classification: Uncertain significance for Developmental and epileptic encephalopathy 104. Last evaluated: 2025-09-10. Review status: criteria provided, single submitter. Criteria: ACMG Guidelines, 2015. Collection method: clinical testing. Allele origin: germline.

PreventionGenetics, part of Exact Sciences
Classification: Uncertain significance for ATP6V0A1-related condition. Last evaluated: 2025-06-19. Review status: criteria provided, single submitter. Criteria: ACMG Guidelines, 2015. Collection method: clinical testing. Allele origin: germline.
Comment: The ATP6V0A1 c.932A>G variant is predicted to result in the amino acid substitution p.Tyr311Cys. To our knowledge, this variant has not been reported in the literature. This variant is reported in 0.011% of alleles in individuals of East Asian descent in gnomAD. At this time, the clinical significance of this variant is uncertain due to the absence of conclusive functional and genetic evidence.